The following is an entry in ClinVar:

ClinVar aggregate classification (germline): Benign. Review status: criteria provided, multiple submitters, no conflicts (2 of 4 stars). 3 submissions from 3 submitters: Benign (3). Last evaluated 2024-07-15.

Allele frequency attached by ClinVar (database versions not stated): 1000 Genomes Project 30x 0.43816; 1000 Genomes Project 0.44629; TOPMed 0.49714; gnomAD 0.50933; gnomAD exomes 0.57292.
gnomAD v4.1: 401,782 of 718,880 alleles (56%); highest among the groups gnomAD compares: Non-Finnish European, 62%; 116,544 homozygotes.

Submissions (3):

Unidad de Genómica Garrahan, Hospital de Pediatría Garrahan
Classification: Benign. Last evaluated: 2024-07-15. Review status: criteria provided, single submitter. Criteria: ACMG Guidelines, 2015. Collection method: clinical testing. Allele origin: germline. Affected: no. Observed: 73 variant alleles.
Comment: This variant is classified as Benign based on local population frequency. This variant was detected in 78% of patients studied in a panel designed for Epileptic and Developmental Encephalopathy and Progressive Myoclonus Epilepsy. Number of patients: 73. Only high quality variants are reported.

GeneDx
Classification: Benign. Last evaluated: 2018-06-14. Review status: criteria provided, single submitter. Criteria: GeneDx Variant Classification (06012015). Collection method: clinical testing. Allele origin: germline. Affected: yes.
Comment: This variant is considered likely benign or benign based on one or more of the following criteria: it is a conservative change, it occurs at a poorly conserved position in the protein, it is predicted to be benign by multiple in silico algorithms, and/or has population frequency not consistent with disease.

Breakthrough Genomics
Classification: Benign. Review status: criteria provided, single submitter. Criteria: ACMG Guidelines, 2015. Collection method: not provided. Allele origin: germline. Inheritance: Autosomal recessive inheritance. Affected: yes.

NM_000310.4(PPT1):c.434-137G>A

Gene: PPT1 (palmitoyl-protein thioesterase 1; minus strand). Cytogenetic location: 1p34.2.
Variant type: single nucleotide variant.
Coding change: c.434-137G>A on transcript NM_000310.4 (MANE Select); 137 bases into the intron before coding-DNA position 434, G replaced by A.
Molecular consequence: intron variant.
Genome position (GRCh38, 1-based): chr1:40,089,649, C>T on the plus strand (G>A on the coding strand, the complement: PPT1 is on the minus strand). VCF-style: chr1-40089649-C-T. GRCh37 (hg19) VCF-style: chr1-40555321-C-T.
Other names: c.125-137G>A (NM_001142604.2); c.434-137G>A (NM_001363695.2).
Identifiers: ClinVar variation 668044 (VCV000668044.4), dbSNP rs3131651, ClinGen allele CA10949975.
Genomic context (GRCh38, chr1:40,089,649, plus strand): 5'-GAAACAAAATGAACAGGACCAAACTCTGATTTCATTCACTTATTCCTCATGAAAATAAAG[C>T]GCAGAGAACTAATACTATCACCAGCTTCCTCCTGGTGCTGCTACACTCTTTCCTGCCTAA-3'